The following is an entry in ClinVar:

NM_004727.3(SLC24A1):c.1286C>A (p.Pro429His)

Gene: SLC24A1 (solute carrier family 24 member 1; plus strand). Cytogenetic location: 15q22.31.
Variant type: single nucleotide variant.
Coding change: c.1286C>A on transcript NM_004727.3 (MANE Select); coding-DNA position 1286, C replaced by A.
Protein change: p.Pro429His; replaces proline 429 with histidine.
Molecular consequence: missense variant.
Genome position (GRCh38, 1-based): chr15:65,625,366, C>A. VCF-style: chr15-65625366-C-A. GRCh37 (hg19) VCF-style: chr15-65917704-C-A.
Other names: c.1286C>A, p.Pro429His (NM_001301031.1, NM_001301032.1, NM_001301033.2 and 1 more transcripts); short protein forms P429H.
Identifiers: ClinVar variation 2100514 (VCV002100514.4), dbSNP rs2074471768, ClinGen allele CA392917140.
Genomic context (GRCh38, chr15:65,625,366, plus strand): 5'-CAAGCCTCACAACAGCCCTGCTCCCAGAGGAGCTCAGTCCTAGTCCCTCAGTGCTGCCTC[C>A]CAGCTTGCCAGACCTCCACCCCAAGGGAGAGTACCCCCCAGATCTGTTCAGTGTGGAGGA-3'
Protein context (NP_004718.1, residues 419-439): ELSPSPSVLP[Pro429His]SLPDLHPKGE

ClinVar aggregate classification (germline): Uncertain significance (1 of 4 stars; one submission).

Allele frequency attached by ClinVar (database versions not stated): TOPMed below 0.00001; gnomAD 0.00001.
gnomAD v4.1: 1 of 1,613,932 alleles (0.000062%); highest among the groups gnomAD compares: Admixed American, 0.0017%; no homozygotes.

Submission:

Labcorp Genetics (formerly Invitae), Labcorp
Classification: Uncertain significance. Last evaluated: 2023-05-15. Review status: criteria provided, single submitter. Criteria: Invitae Variant Classification Sherloc (09022015). Collection method: clinical testing. Allele origin: germline.
Comment: In summary, the available evidence is currently insufficient to determine the role of this variant in disease. Therefore, it has been classified as a Variant of Uncertain Significance. An algorithm developed to predict the effect of missense changes on protein structure and function (PolyPhen-2) suggests that this variant is likely to be tolerated. ClinVar contains an entry for this variant (Variation ID: 2100514). This variant has not been reported in the literature in individuals affected with SLC24A1-related conditions. This variant is not present in population databases (gnomAD no frequency). This sequence change replaces proline, which is neutral and non-polar, with histidine, which is basic and polar, at codon 429 of the SLC24A1 protein (p.Pro429His).